The following is an entry in ClinVar:

ClinVar aggregate classification (germline): Uncertain significance. Review status: criteria provided, multiple submitters, no conflicts (2 of 4 stars). 2 submissions from 2 submitters: Uncertain significance (2). Last evaluated 2025-11-25.

Conditions:
Inborn genetic diseases. Identifiers: MedGen C0950123, MeSH D030342.

Allele frequency attached by ClinVar (database versions not stated): gnomAD exomes 0.00001; TOPMed 0.00002; ExAC 0.00002; gnomAD 0.00002.

Submissions (2):

Labcorp Genetics (formerly Invitae), Labcorp
Classification: Uncertain significance. Last evaluated: 2025-11-25. Review status: criteria provided, single submitter. Criteria: Invitae Variant Classification Sherloc (09022015). Collection method: clinical testing. Allele origin: germline.
Comment: This sequence change replaces glycine, which is neutral and non-polar, with serine, which is neutral and polar, at codon 44 of the GCM2 protein (p.Gly44Ser). This variant is present in population databases (rs746985154, gnomAD 0.02%). This missense change has been observed in individual(s) with autosomal recessive hypoparathyroidism (PMID: 27480553). ClinVar contains an entry for this variant (Variation ID: 2460419). Invitae Evidence Modeling of protein sequence and biophysical properties (such as structural, functional, and spatial information, amino acid conservation, physicochemical variation, residue mobility, and thermodynamic stability) indicates that this missense variant is expected to disrupt GCM2 protein function with a positive predictive value of 80%. In summary, the available evidence is currently insufficient to determine the role of this variant in disease. Therefore, it has been classified as a Variant of Uncertain Significance.

Ambry Genetics
Classification: Uncertain significance for Inborn genetic diseases. Last evaluated: 2023-01-30. Review status: criteria provided, single submitter. Criteria: Ambry Variant Classification Scheme 2023. Collection method: clinical testing. Allele origin: germline.

Literature cited by the submitters: PubMed 27480553 (cited by Labcorp Genetics (formerly Invitae), Labcorp and Ambry Genetics).

NM_004752.4(GCM2):c.130G>A (p.Gly44Ser)

Gene: GCM2 (glial cells missing transcription factor 2; minus strand). Cytogenetic location: 6p24.2.
Variant type: single nucleotide variant.
Coding change: c.130G>A on transcript NM_004752.4 (MANE Select); coding-DNA position 130, G replaced by A.
Protein change: p.Gly44Ser; replaces glycine 44 with serine.
Molecular consequence: missense variant.
Genome position (GRCh38, 1-based): chr6:10,877,353, C>T on the plus strand (G>A on the coding strand, the complement: GCM2 is on the minus strand). VCF-style: chr6-10877353-C-T. GRCh37 (hg19) VCF-style: chr6-10877586-C-T.
Other names: short protein forms G44S.
Identifiers: ClinVar variation 2460419 (VCV002460419.4), dbSNP rs746985154, ClinGen allele CA3634155.